The following is an entry in ClinVar:

ClinVar aggregate classification (germline): Uncertain significance (1 of 4 stars; one submission).

Allele frequency attached by ClinVar (database versions not stated): gnomAD 0.00001.
gnomAD v4.1: 1 of 1,612,866 alleles (0.000062%); highest among the groups gnomAD compares: African/African-American, 0.0013%; no homozygotes.

Submission:

Ambry Genetics
Classification: Uncertain significance. Last evaluated: 2024-08-26. Review status: criteria provided, single submitter. Criteria: Ambry Variant Classification Scheme 2023. Collection method: clinical testing. Allele origin: germline.
Comment: The p.A755P variant (also known as c.2263G>C), located in coding exon 14 of the POLQ gene, results from a G to C substitution at nucleotide position 2263. The alanine at codon 755 is replaced by proline, an amino acid with highly similar properties. This amino acid position is conserved. In addition, the in silico prediction for this alteration is inconclusive. Since supporting evidence is limited at this time, the clinical significance of this alteration remains unclear.

NM_199420.4(POLQ):c.2263G>C (p.Ala755Pro)

Gene: POLQ (DNA polymerase theta; minus strand). Cytogenetic location: 3q13.33.
Variant type: single nucleotide variant.
Coding change: c.2263G>C on transcript NM_199420.4 (MANE Select); coding-DNA position 2263, G replaced by C.
Protein change: p.Ala755Pro; replaces alanine 755 with proline.
Molecular consequence: missense variant.
Genome position (GRCh38, 1-based): chr3:121,496,823, C>G on the plus strand (G>C on the coding strand, the complement: POLQ is on the minus strand). VCF-style: chr3-121496823-C-G. GRCh37 (hg19) VCF-style: chr3-121215670-C-G.
Other names: short protein forms A755P.
Identifiers: ClinVar variation 1788672 (VCV001788672.3), dbSNP rs1454844019, ClinGen allele CA354108818.